The following is an entry in ClinVar:

ClinVar aggregate classification (germline): Uncertain significance (1 of 4 stars; one submission).

Conditions:
Duchenne muscular dystrophy (DMD). Also called: MUSCULAR DYSTROPHY, PSEUDOHYPERTROPHIC PROGRESSIVE, DUCHENNE TYPE; Duchenne Muscular Dystrophy (DMD). Identifiers: Orphanet 98896, MedGen C0013264, MONDO:0010679, OMIM 310200.

Submission:

Labcorp Genetics (formerly Invitae), Labcorp
Classification: Uncertain significance for Duchenne muscular dystrophy. Last evaluated: 2023-06-15. Review status: criteria provided, single submitter. Criteria: Invitae Variant Classification Sherloc (09022015). Collection method: clinical testing. Allele origin: germline.
Comment: In summary, the available evidence is currently insufficient to determine the role of this variant in disease. Therefore, it has been classified as a Variant of Uncertain Significance. Advanced modeling of protein sequence and biophysical properties (such as structural, functional, and spatial information, amino acid conservation, physicochemical variation, residue mobility, and thermodynamic stability) performed at Invitae indicates that this missense variant is not expected to disrupt DMD protein function. This variant has not been reported in the literature in individuals affected with DMD-related conditions. This variant is not present in population databases (gnomAD no frequency). This sequence change replaces aspartic acid, which is acidic and polar, with histidine, which is basic and polar, at codon 2562 of the DMD protein (p.Asp2562His).

NM_004006.3(DMD):c.7684G>C (p.Asp2562His)

Gene: DMD (dystrophin; minus strand). Cytogenetic location: Xp21.1.
Variant type: single nucleotide variant.
Coding change: c.7684G>C on transcript NM_004006.3 (MANE Select); coding-DNA position 7684, G replaced by C.
Protein change: p.Asp2562His; replaces aspartic acid 2562 with histidine.
Molecular consequence: missense variant.
Genome position (GRCh38, 1-based): chrX:31,679,563, C>G on the plus strand (G>C on the coding strand, the complement: DMD is on the minus strand). VCF-style: chrX-31679563-C-G. GRCh37 (hg19) VCF-style: chrX-31697680-C-G.
Other names: c.7660G>C, p.Asp2554His (NM_000109.4); c.7672G>C, p.Asp2558His (NM_004009.3); c.7315G>C, p.Asp2439His (NM_004010.3); c.3661G>C, p.Asp1221His (NM_004011.4); c.3652G>C, p.Asp1218His (NM_004012.4); c.304G>C, p.Asp102His (NM_004013.3, NM_004020.4, NM_004021.3 and 2 more transcripts); short protein forms D2562H, D2554H, D2558H, D102H, D1218H, D1221H, D2439H.
Identifiers: ClinVar variation 2715878 (VCV002715878.3), dbSNP rs2529180299, ClinGen allele CA412656971.